The following is an entry in ClinVar:

NM_001903.5(CTNNA1):c.2115G>A (p.Trp705Ter)

Gene: CTNNA1 (catenin alpha 1; plus strand). Cytogenetic location: 5q31.2.
Variant type: single nucleotide variant.
Coding change: c.2115G>A on transcript NM_001903.5 (MANE Select); coding-DNA position 2115, G replaced by A.
Protein change: p.Trp705Ter; replaces tryptophan 705 with a stop codon.
Molecular consequence: nonsense.
Genome position (GRCh38, 1-based): chr5:138,930,577, G>A. VCF-style: chr5-138930577-G-A. GRCh37 (hg19) VCF-style: chr5-138266266-G-A.
Other names: c.1005G>A, p.Trp335Ter (NM_001324003.1, NM_001324004.1, NM_001324005.1 and 17 more transcripts); c.666G>A, p.Trp222Ter (NM_001324006.1, NM_001324007.1, NM_001324008.1 and 2 more transcripts); c.912G>A, p.Trp304Ter (NM_001324011.1); c.762G>A, p.Trp254Ter (NM_001324012.1, NM_001324013.1); c.2115G>A, p.Trp705Ter (NM_001290307.3, NM_001323982.2, NM_001323983.1 and 2 more transcripts); c.1806G>A, p.Trp602Ter (NM_001290309.3); c.1746G>A, p.Trp582Ter (NM_001290310.3); c.2022G>A, p.Trp674Ter (NM_001323986.2); short protein forms W602*, W674*, W335*, W582*, W222*, W254*, W304*, W705*.
Identifiers: ClinVar variation 3655676 (VCV003655676.2).
Genomic context (GRCh38, chr5:138,930,577, plus strand): 5'-GGAACAGGTGGCCAGCTTCCAGGAAGAAAAGAGCAAGCTGGATGCTGAAGTGTCCAAATG[G>A]GACGACAGTGGCAATGACATCATTGTGCTGGCCAAGCAGATGTGCATGATTATGATGGAG-3'

ClinVar aggregate classification (germline): Pathogenic (1 of 4 stars; one submission).

gnomAD v4.1: 1 of 1,613,910 alleles (0.000062%); highest among the groups gnomAD compares: Non-Finnish European, 0.000085%; no homozygotes.

Submission:

Labcorp Genetics (formerly Invitae), Labcorp
Classification: Pathogenic. Last evaluated: 2025-07-23. Review status: criteria provided, single submitter. Criteria: Invitae Variant Classification Sherloc (09022015). Collection method: clinical testing. Allele origin: germline.
Comment: This sequence change creates a premature translational stop signal (p.Trp705*) in the CTNNA1 gene. It is expected to result in an absent or disrupted protein product. Loss-of-function variants in CTNNA1 are known to be pathogenic (PMID: 32051609, 34425242). This variant is not present in population databases (gnomAD no frequency). This variant has not been reported in the literature in individuals affected with CTNNA1-related conditions. ClinVar contains an entry for this variant (Variation ID: 3655676). For these reasons, this variant has been classified as Pathogenic.

Literature cited by the submitters: PubMed 32051609; PubMed 34425242.